The following is an entry in ClinVar:

NM_006940.6(SOX5):c.1975T>A (p.Tyr659Asn)

Gene: SOX5 (SRY-box transcription factor 5; minus strand). Cytogenetic location: 12p12.1.
Variant type: single nucleotide variant.
Coding change: c.1975T>A on transcript NM_006940.6 (MANE Select); coding-DNA position 1975, T replaced by A.
Protein change: p.Tyr659Asn; replaces tyrosine 659 with asparagine.
Molecular consequence: missense variant.
Genome position (GRCh38, 1-based): chr12:23,536,466, A>T on the plus strand (T>A on the coding strand, the complement: SOX5 is on the minus strand). VCF-style: chr12-23536466-A-T. GRCh37 (hg19) VCF-style: chr12-23689400-A-T.
Other names: c.1612T>A, p.Tyr538Asn (NM_001261414.3); c.1945T>A, p.Tyr649Asn (NM_001261415.3); c.1870T>A, p.Tyr624Asn (NM_001330785.2); c.1936T>A, p.Tyr646Asn (NM_152989.5); c.817T>A, p.Tyr273Asn (NM_178010.4); short protein forms Y273N, Y538N, Y624N, Y646N, Y649N, Y659N.
Identifiers: ClinVar variation 1327833 (VCV001327833.2), dbSNP rs2135892497, ClinGen allele CA384319185.

ClinVar aggregate classification (germline): Uncertain significance (1 of 4 stars; one submission).

Submission:

GeneDx
Classification: Uncertain significance. Last evaluated: 2021-06-08. Review status: criteria provided, single submitter. Criteria: GeneDx Variant Classification Process June 2021. Collection method: clinical testing. Allele origin: germline. Affected: yes.
Comment: Not observed at significant frequency in large population cohorts (Lek et al., 2016); In silico analysis supports that this missense variant has a deleterious effect on protein structure/function; Has not been previously published as pathogenic or benign to our knowledge; This variant is associated with the following publications: (PMID: 27535533)